The following is an entry in ClinVar:

NM_002635.4(SLC25A3):c.925+4G>A

Gene: SLC25A3 (solute carrier family 25 member 3; plus strand). Cytogenetic location: 12q23.1.
Variant type: single nucleotide variant.
Coding change: c.925+4G>A on transcript NM_002635.4 (MANE Select); 4 bases into the intron after coding-DNA position 925, G replaced by A.
Molecular consequence: intron variant.
Genome position (GRCh38, 1-based): chr12:98,601,285, G>A. VCF-style: chr12-98601285-G-A. GRCh37 (hg19) VCF-style: chr12-98995063-G-A.
Other names: c.925+4G>A (NM_213611.3); c.928+4G>A (NM_005888.4).
Identifiers: ClinVar variation 139151 (VCV000139151.13), dbSNP rs201617025, ClinGen allele CA293538.

ClinVar aggregate classification (germline): Benign/Likely benign. Review status: criteria provided, multiple submitters, no conflicts (2 of 4 stars). 4 submissions from 4 submitters: Benign (2); Likely benign (1). 1 of the submissions does not count toward it. Last evaluated 2026-01-28.

Allele frequency attached by ClinVar (database versions not stated): gnomAD exomes 0.00050; ExAC 0.00069; gnomAD 0.00176 and 0.00194; 1000 Genomes Project 0.00180; TOPMed 0.00224; 1000 Genomes Project 30x 0.00234; ESP Exome Variant Server 0.00277.
gnomAD v4.1: 516 of 1,614,040 alleles (0.032%); highest among the groups gnomAD compares: African/African-American, 0.57%; 2 homozygotes.

Submissions (4):

Labcorp Genetics (formerly Invitae), Labcorp
Classification: Benign. Last evaluated: 2026-01-28. Review status: criteria provided, single submitter. Criteria: Invitae Variant Classification Sherloc (09022015). Collection method: clinical testing. Allele origin: germline.

Blueprint Genetics
Classification: Likely benign. Last evaluated: 2024-08-06. Review status: criteria provided, single submitter. Criteria: ACMG Guidelines, 2015. Collection method: clinical testing. Allele origin: germline.

GeneDx
Classification: Benign. Last evaluated: 2013-01-08. Review status: criteria provided, single submitter. Criteria: GeneDx Variant Classification (06012015). Collection method: clinical testing. Allele origin: germline. Affected: yes.
Comment: This variant is considered likely benign or benign based on one or more of the following criteria: it is a conservative change, it occurs at a poorly conserved position in the protein, it is predicted to be benign by multiple in silico algorithms, and/or has population frequency not consistent with disease.

Mayo Clinic Laboratories, Mayo Clinic
Classification: Uncertain significance. Last evaluated: 2017-08-22. Review status: no assertion criteria provided. Collection method: clinical testing. Allele origin: unknown. Not counted in ClinVar's aggregate classification.